The following is an entry in ClinVar:

NM_201548.5(CERKL):c.3G>A (p.Met1Ile)

Genes: CERKL (CERK like autophagy regulator; minus strand), LOC129935215 (ATAC-STARR-seq lymphoblastoid silent region 12158; plus strand). Cytogenetic location: 2q31.3.
Variant type: single nucleotide variant.
Coding change: c.3G>A on transcript NM_201548.5 (MANE Select); coding-DNA position 3, G replaced by A.
Protein change: p.Met1Ile; changes the start codon (methionine 1).
Molecular consequence: missense variant, initiator codon variant. On other transcripts: non-coding transcript variant (2).
Genome position (GRCh38, 1-based): chr2:181,657,004, C>T on the plus strand (G>A on the coding strand, the complement: CERKL is on the minus strand). VCF-style: chr2-181657004-C-T. GRCh37 (hg19) VCF-style: chr2-182521731-C-T.
Other names: c.3G>A, p.Met1Ile (NM_001030311.3, NM_001030312.3, NM_001030313.3 and 1 more transcripts); short protein forms M1I.
Identifiers: ClinVar variation 1068116 (VCV001068116.7), dbSNP rs2105569594, ClinGen allele CA349746036.
Genomic context (GRCh38, chr2:181,657,004, plus strand): 5'-CGCCTCTTCCTCCCGGCCGCCCTCCAGGGCACTCACCCGGTTCCTGCGCCTCCTCCAGGG[C>T]ATGGCGGAGTCGCAGGCTGGGCCCGAGCCAGGGGTCCGGGGAGGCCTTTGGAGAAGGAGG-3'
Protein context (NP_963842.1, residues 1-11): [Met1Ile]PWRRRRNRVS

ClinVar aggregate classification (germline): Pathogenic (1 of 4 stars; one submission).

Submission:

Labcorp Genetics (formerly Invitae), Labcorp
Classification: Pathogenic. Last evaluated: 2021-11-05. Review status: criteria provided, single submitter. Criteria: Invitae Variant Classification Sherloc (09022015). Collection method: clinical testing. Allele origin: germline.
Comment: For these reasons, this variant has been classified as Pathogenic. This variant disrupts a region of the CERKL protein in which other variant(s) (p.Cys125Trp) have been determined to be pathogenic (PMID: 20554613, 24498393, 29068140). This suggests that this is a clinically significant region of the protein, and that variants that disrupt it are likely to be disease-causing. ClinVar contains an entry for this variant (Variation ID: 1068116). Disruption of the initiator codon has been observed in individual(s) with clinical features of retinitis pigmentosa (Invitae). In at least one individual the data is consistent with the variant being in trans (on the opposite chromosome) from a pathogenic variant. This variant is not present in population databases (gnomAD no frequency). This sequence change affects the initiator methionine of the CERKL mRNA. The next in-frame methionine is located at codon 206.

Literature cited by the submitters: PubMed 20554613; PubMed 24498393; PubMed 29068140.